The following is an entry in ClinVar:

ClinVar aggregate classification (germline): Uncertain significance (1 of 4 stars; one submission).

Submission:

Women's Health and Genetics/Laboratory Corporation of America, LabCorp
Classification: Uncertain significance. Last evaluated: 2026-03-06. Review status: criteria provided, single submitter. Criteria: LabCorp Variant Classification Summary - May 2015. Collection method: clinical testing. Allele origin: germline.
Comment: Variant summary: TG c.548G>A (p.Cys183Tyr) results in a non-conservative amino acid change in the encoded protein sequence. Algorithms developed to predict the effect of missense changes on protein structure and function all suggest that this variant is likely to be disruptive. The variant was absent in 251396 control chromosomes (gnoomAD). The available data on variant occurrences in the general population are insufficient to allow any conclusion about variant significance. c.548G>A has been observed in one individual affected with thyroid dyshormonogenesis (Caputo_2007). These data do not allow any conclusion about variant significance. To our knowledge, no experimental evidence demonstrating an impact on protein function has been reported. The following publication have been ascertained in the context of this evaluation (PMID: 17532758). No submitters have cited clinical-significance assessments for this variant to ClinVar. Based on the evidence outlined above, the variant was classified as uncertain significance.

Literature cited by the submitters: PubMed 17532758.

NM_003235.5(TG):c.548G>A (p.Cys183Tyr)

Gene: TG (thyroglobulin; plus strand). Cytogenetic location: 8q24.22.
Variant type: single nucleotide variant.
Coding change: c.548G>A on transcript NM_003235.5 (MANE Select); coding-DNA position 548, G replaced by A.
Protein change: p.Cys183Tyr; replaces cysteine 183 with tyrosine.
Molecular consequence: missense variant.
Genome position (GRCh38, 1-based): chr8:132,873,131, G>A. VCF-style: chr8-132873131-G-A. GRCh37 (hg19) VCF-style: chr8-133885376-G-A.
Other names: short protein forms C183Y.
Identifiers: ClinVar variation 4847413 (VCV004847413.1).